The following is an entry in ClinVar:

NM_152641.4(ARID2):c.791G>A (p.Trp264Ter)

Gene: ARID2 (AT-rich interaction domain 2; plus strand). Cytogenetic location: 12q12.
Variant type: single nucleotide variant.
Coding change: c.791G>A on transcript NM_152641.4 (MANE Select); coding-DNA position 791, G replaced by A.
Protein change: p.Trp264Ter; replaces tryptophan 264 with a stop codon.
Molecular consequence: nonsense.
Genome position (GRCh38, 1-based): chr12:45,836,759, G>A. VCF-style: chr12-45836759-G-A. GRCh37 (hg19) VCF-style: chr12-46230542-G-A.
Other names: c.791G>A, p.Trp264Ter (NM_001347839.2); short protein forms W264*.
Identifiers: ClinVar variation 1705351 (VCV001705351.1), dbSNP rs2138126544, ClinGen allele CA384452059.

ClinVar aggregate classification (germline): Likely pathogenic (1 of 4 stars; one submission).

Conditions:
Coffin-Siris syndrome 6. Identifiers: MedGen C4540499, MONDO:0033492, OMIM 617808.

Submission:

3billion
Classification: Likely pathogenic for Coffin-Siris syndrome 6. Last evaluated: 2022-09-01. Review status: criteria provided, single submitter. Criteria: ACMG Guidelines, 2015. Collection method: clinical testing. Allele origin: germline. Affected: yes. Observed: 1 hemizygote.
Comment: The variant is not observed in the gnomAD v2.1.1 dataset. Stop-gained (nonsense) is predicted to result in a loss or disruption of normal protein function through nonsense-mediated decay (NMD) or protein truncation. Multiple pathogenic variants are reported downstream of the variant. Therefore, this variant is classified as Likely pathogenic according to the recommendation of ACMG/AMP guideline.